The following is an entry in ClinVar:

ClinVar aggregate classification (germline): Likely pathogenic. Review status: criteria provided, multiple submitters, no conflicts (2 of 4 stars). 2 submissions from 2 submitters: Likely pathogenic (2). Last evaluated 2026-03-25.

Submissions (2):

GeneDx
Classification: Likely pathogenic. Last evaluated: 2026-03-25. Review status: criteria provided, single submitter. Criteria: GeneDx Variant Classification Process June 2021. Collection method: clinical testing. Allele origin: germline.
Comment: Nonsense variant predicted to result in protein truncation, as the last 120 amino acid(s) are lost, and other loss-of-function variants have been reported downstream in HGMD; Not observed at significant frequency in large population cohorts (gnomAD); This variant is associated with the following publications: (PMID: 39062705)

Labcorp Genetics (formerly Invitae), Labcorp
Classification: Likely pathogenic. Last evaluated: 2024-02-24. Review status: criteria provided, single submitter. Criteria: Invitae Variant Classification Sherloc (09022015). Collection method: clinical testing. Allele origin: germline.
Comment: This sequence change creates a premature translational stop signal (p.Cys362*) in the NYX gene. While this is not anticipated to result in nonsense mediated decay, it is expected to disrupt the last 120 amino acid(s) of the NYX protein. This variant is not present in population databases (gnomAD no frequency). This premature translational stop signal has been observed in individual(s) with X-linked congenital stationary night blindness (Invitae). It has also been observed to segregate with disease in related individuals. ClinVar contains an entry for this variant (Variation ID: 2093862). This variant disrupts a region of the NYX protein in which other variant(s) (p.Gln457_Ala463delinsPro) have been observed in individuals with NYX-related conditions (PMID: 19578023). This suggests that this is a clinically significant region of the protein, and that variants that disrupt it are likely to be disease-causing. In summary, the currently available evidence indicates that the variant is pathogenic, but additional data are needed to prove that conclusively. Therefore, this variant has been classified as Likely Pathogenic.

Literature cited by the submitters: PubMed 19578023 (cited by Labcorp Genetics (formerly Invitae), Labcorp).

NM_001378477.3(NYX):c.1071C>A (p.Cys357Ter)

Gene: NYX (nyctalopin; plus strand). Cytogenetic location: Xp11.4.
Variant type: single nucleotide variant.
Coding change: c.1071C>A on transcript NM_001378477.3 (MANE Select); coding-DNA position 1071, C replaced by A.
Protein change: p.Cys357Ter; replaces cysteine 357 with a stop codon.
Molecular consequence: nonsense.
Genome position (GRCh38, 1-based): chrX:41,474,539, C>A. VCF-style: chrX-41474539-C-A. GRCh37 (hg19) VCF-style: chrX-41333792-C-A.
Other names: c.1071C>A, p.Cys357Ter (NM_022567.3); c.1086C>A (NM_022567.2); short protein forms C357*.
Identifiers: ClinVar variation 2093862 (VCV002093862.5), dbSNP rs776200278, ClinGen allele CA412992563.